The following is an entry in ClinVar:

NM_022370.4(ROBO3):c.1539G>A (p.Glu513=)

Gene: ROBO3 (roundabout guidance receptor 3; plus strand). Cytogenetic location: 11q24.2.
Variant type: single nucleotide variant.
Coding change: c.1539G>A on transcript NM_022370.4 (MANE Select); coding-DNA position 1539, G replaced by A.
Protein change: p.Glu513=; no amino-acid change (glutamic acid 513 retained).
Molecular consequence: synonymous variant.
Genome position (GRCh38, 1-based): chr11:124,873,312, G>A. VCF-style: chr11-124873312-G-A. GRCh37 (hg19) VCF-style: chr11-124743208-G-A.
Identifiers: ClinVar variation 4980544 (VCV004980544.1).

ClinVar aggregate classification (germline): Likely benign (1 of 4 stars; one submission).

Conditions:
ROBO3-related disorder. Also called: ROBO3-related condition.

Submission:

PreventionGenetics, part of Exact Sciences
Classification: Likely benign for ROBO3-related condition. Last evaluated: 2026-09-17. Review status: criteria provided, single submitter. Criteria: ACMG Guidelines, 2015. Collection method: clinical testing. Allele origin: germline.
Comment: This variant is classified as likely benign based on ACMG/AMP sequence variant interpretation guidelines (Richards et al. 2015 PMID: 25741868, with internal and published modifications).